The following is an entry in ClinVar:

NM_004370.6(COL12A1):c.1223A>C (p.Lys408Thr)

Gene: COL12A1 (collagen type XII alpha 1 chain; minus strand). Cytogenetic location: 6q13.
Variant type: single nucleotide variant.
Coding change: c.1223A>C on transcript NM_004370.6 (MANE Select); coding-DNA position 1223, A replaced by C.
Protein change: p.Lys408Thr; replaces lysine 408 with threonine.
Molecular consequence: missense variant. On other transcripts: intron variant (1).
Genome position (GRCh38, 1-based): chr6:75,183,919, T>G on the plus strand (A>C on the coding strand, the complement: COL12A1 is on the minus strand). VCF-style: chr6-75183919-T-G. GRCh37 (hg19) VCF-style: chr6-75893635-T-G.
Other names: c.1223A>C (NM_004370.5); c.73+18801A>C (NM_080645.3); short protein forms K408T.
Identifiers: ClinVar variation 1490265 (VCV001490265.9), dbSNP rs1325717704, ClinGen allele CA364772704.

ClinVar aggregate classification (germline): Uncertain significance. Review status: criteria provided, multiple submitters, no conflicts (2 of 4 stars). 2 submissions from 2 submitters: Uncertain significance (2). Last evaluated 2024-10-06.

Conditions:
Inborn genetic diseases. Identifiers: MedGen C0950123, MeSH D030342.
Ullrich congenital muscular dystrophy 2 (UCMD2). Identifiers: Orphanet 75840, MedGen C4225314, MONDO:0014654, OMIM 616470.
Bethlem myopathy 2 (BTHLM2). Identifiers: Orphanet 536516, Orphanet 610, MedGen C4225313, MONDO:0034022, OMIM 616471.

Allele frequency attached by ClinVar (database versions not stated): gnomAD exomes below 0.00001.
gnomAD v4.1: 3 of 1,614,202 alleles (0.00019%); highest among the groups gnomAD compares: African/African-American, 0.0013%; no homozygotes.

Submissions (2):

Ambry Genetics
Classification: Uncertain significance for Inborn genetic diseases. Last evaluated: 2024-10-06. Review status: criteria provided, single submitter. Criteria: Ambry Variant Classification Scheme 2023. Collection method: clinical testing. Allele origin: germline.

Labcorp Genetics (formerly Invitae), Labcorp
Classification: Uncertain significance for Bethlem myopathy 2; Ullrich congenital muscular dystrophy 2. Last evaluated: 2021-12-23. Review status: criteria provided, single submitter. Criteria: Invitae Variant Classification Sherloc (09022015). Collection method: clinical testing. Allele origin: germline.
Comment: This sequence change replaces lysine, which is basic and polar, with threonine, which is neutral and polar, at codon 408 of the COL12A1 protein (p.Lys408Thr). This variant is present in population databases (no rsID available, gnomAD 0.0009%). This missense change has been observed in individual(s) with clinical features of COL12A1-related conditions (Invitae). Algorithms developed to predict the effect of missense changes on protein structure and function are either unavailable or do not agree on the potential impact of this missense change (SIFT: "Deleterious"; PolyPhen-2: "Possibly Damaging"; Align-GVGD: "Class C0"). In summary, the available evidence is currently insufficient to determine the role of this variant in disease. Therefore, it has been classified as a Variant of Uncertain Significance.